The following is an entry in ClinVar:

ClinVar aggregate classification (germline): Uncertain significance (1 of 4 stars; one submission).

gnomAD v4.1: 2 of 1,614,136 alleles (0.00012%); highest among the groups gnomAD compares: Non-Finnish European, 0.00017%; no homozygotes.

Submission:

Ambry Genetics
Classification: Uncertain significance. Last evaluated: 2025-07-14. Review status: criteria provided, single submitter. Criteria: Ambry Variant Classification Scheme 2023. Collection method: clinical testing. Allele origin: germline.
Comment: The p.N1102D variant (also known as c.3304A>G), located in coding exon 1 of the TET2 gene, results from an A to G substitution at nucleotide position 3304. The asparagine at codon 1102 is replaced by aspartic acid, an amino acid with highly similar properties. This amino acid position is conserved. In addition, this alteration is predicted to be tolerated by in silico analysis. Based on the available evidence, the clinical significance of this variant remains unclear.

NM_001127208.3(TET2):c.3304A>G (p.Asn1102Asp)

Genes: TET2 (tet methylcytosine dioxygenase 2; plus strand), TET2-AS1 (TET2 antisense RNA 1; minus strand). Cytogenetic location: 4q24.
Variant type: single nucleotide variant.
Coding change: c.3304A>G on transcript NM_001127208.3 (MANE Select); coding-DNA position 3304, A replaced by G.
Protein change: p.Asn1102Asp; replaces asparagine 1102 with aspartic acid.
Molecular consequence: missense variant.
Genome position (GRCh38, 1-based): chr4:105,237,246, A>G. VCF-style: chr4-105237246-A-G. GRCh37 (hg19) VCF-style: chr4-106158403-A-G.
Other names: c.3304A>G, p.Asn1102Asp (NM_017628.4); short protein forms N1102D.
Identifiers: ClinVar variation 4182964 (VCV004182964.1).